The following is an entry in ClinVar:

NM_006031.6(PCNT):c.6799T>C (p.Ser2267Pro)

Gene: PCNT (pericentrin; plus strand). Cytogenetic location: 21q22.3.
Variant type: single nucleotide variant.
Coding change: c.6799T>C on transcript NM_006031.6 (MANE Select); coding-DNA position 6799, T replaced by C.
Protein change: p.Ser2267Pro; replaces serine 2267 with proline.
Molecular consequence: missense variant.
Genome position (GRCh38, 1-based): chr21:46,416,717, T>C. VCF-style: chr21-46416717-T-C. GRCh37 (hg19) VCF-style: chr21-47836631-T-C.
Other names: c.6445T>C, p.Ser2149Pro (NM_001315529.2); c.6799T>C (NM_006031.5); short protein forms S2149P, S2267P.
Identifiers: ClinVar variation 2892243 (VCV002892243.4), dbSNP rs1344945821, ClinGen allele CA410564648.

ClinVar aggregate classification (germline): Uncertain significance. Review status: criteria provided, multiple submitters, no conflicts (2 of 4 stars). 2 submissions from 2 submitters: Uncertain significance (2). Last evaluated 2026-01-12.

Conditions:
Inborn genetic diseases. Identifiers: MedGen C0950123, MeSH D030342.

Allele frequency attached by ClinVar (database versions not stated): TOPMed 0.00001; gnomAD exomes 0.00001; gnomAD 0.00002.
gnomAD v4.1: 20 of 1,578,674 alleles (0.0013%); highest among the groups gnomAD compares: Non-Finnish European, 0.0017%; no homozygotes.

Submissions (2):

Labcorp Genetics (formerly Invitae), Labcorp
Classification: Uncertain significance. Last evaluated: 2026-01-12. Review status: criteria provided, single submitter. Criteria: Invitae Variant Classification Sherloc (09022015). Collection method: clinical testing. Allele origin: germline.
Comment: This sequence change replaces serine, which is neutral and polar, with proline, which is neutral and non-polar, at codon 2267 of the PCNT protein (p.Ser2267Pro). This variant is not present in population databases (gnomAD no frequency). This variant has not been reported in the literature in individuals affected with PCNT-related conditions. ClinVar contains an entry for this variant (Variation ID: 2892243). An algorithm developed to predict the effect of missense changes on protein structure and function outputs the following: PolyPhen-2: "Possibly Damaging". The proline amino acid residue is found in multiple mammalian species, which suggests that this missense change does not adversely affect protein function. In summary, the available evidence is currently insufficient to determine the role of this variant in disease. Therefore, it has been classified as a Variant of Uncertain Significance.

Ambry Genetics
Classification: Uncertain significance for Inborn genetic diseases. Last evaluated: 2025-06-18. Review status: criteria provided, single submitter. Criteria: Ambry Variant Classification Scheme 2023. Collection method: clinical testing. Allele origin: germline.